The following is an entry in ClinVar:

NM_001127222.2(CACNA1A):c.1216G>A (p.Glu406Lys)

Gene: CACNA1A (calcium voltage-gated channel subunit alpha1 A; minus strand). Cytogenetic location: 19p13.13.
Variant type: single nucleotide variant.
Coding change: c.1216G>A on transcript NM_001127222.2 (MANE Select); coding-DNA position 1216, G replaced by A.
Protein change: p.Glu406Lys; replaces glutamic acid 406 with lysine.
Molecular consequence: missense variant.
Genome position (GRCh38, 1-based): chr19:13,332,908, C>T on the plus strand (G>A on the coding strand, the complement: CACNA1A is on the minus strand). VCF-style: chr19-13332908-C-T. GRCh37 (hg19) VCF-style: chr19-13443722-C-T.
Other names: c.1216G>A, p.Glu406Lys (NM_000068.4, NM_001127221.2, NM_001174080.2 and 1 more transcripts); short protein forms E406K.
Identifiers: ClinVar variation 2063726 (VCV002063726.5), dbSNP rs2058491162, ClinGen allele CA404346339.

ClinVar aggregate classification (germline): Uncertain significance. Review status: criteria provided, multiple submitters, no conflicts (2 of 4 stars). 2 submissions from 2 submitters: Uncertain significance (2). Last evaluated 2025-05-02.

Conditions:
Inborn genetic diseases. Identifiers: MedGen C0950123, MeSH D030342.
Developmental and epileptic encephalopathy, 42 (DEE42A). Also called: DEVELOPMENTAL AND EPILEPTIC ENCEPHALOPATHY 42A; EPILEPTIC ENCEPHALOPATHY, EARLY INFANTILE, 42A; Epileptic encephalopathy, early infantile, 42. Identifiers: MedGen C4310716, MONDO:0014917, OMIM 617106.
Episodic ataxia type 2 (EA2). Also called: ACETAZOLAMIDE-RESPONSIVE HEREDITARY PAROXYSMAL CEREBELLAR ATAXIA; ATAXIA, EPISODIC, WITH NYSTAGMUS; ATAXIA, FAMILIAL PAROXYSMAL; CEREBELLAR ATAXIA, PAROXYSMAL, ACETAZOLAMIDE-RESPONSIVE; CEREBELLOPATHY, HEREDITARY PAROXYSMAL; EPISODIC ATAXIA, NYSTAGMUS-ASSOCIATED. Identifiers: Orphanet 97, MedGen C1720416, MONDO:0007163, OMIM 108500.

Allele frequency attached by ClinVar (database versions not stated): gnomAD 0.00001; gnomAD exomes 0.00001.
gnomAD v4.1: 15 of 1,612,592 alleles (0.00093%); highest among the groups gnomAD compares: Non-Finnish European, 0.00093%; no homozygotes.

Submissions (2):

Labcorp Genetics (formerly Invitae), Labcorp
Classification: Uncertain significance for Developmental and epileptic encephalopathy, 42; Episodic ataxia type 2. Last evaluated: 2025-05-02. Review status: criteria provided, single submitter. Criteria: Invitae Variant Classification Sherloc (09022015). Collection method: clinical testing. Allele origin: germline.
Comment: This sequence change replaces glutamic acid, which is acidic and polar, with lysine, which is basic and polar, at codon 406 of the CACNA1A protein (p.Glu406Lys). This variant is not present in population databases (gnomAD no frequency). This variant has not been reported in the literature in individuals affected with CACNA1A-related conditions. ClinVar contains an entry for this variant (Variation ID: 2063726). Invitae Evidence Modeling of protein sequence and biophysical properties (such as structural, functional, and spatial information, amino acid conservation, physicochemical variation, residue mobility, and thermodynamic stability) indicates that this missense variant is expected to disrupt CACNA1A protein function with a positive predictive value of 95%. In summary, the available evidence is currently insufficient to determine the role of this variant in disease. Therefore, it has been classified as a Variant of Uncertain Significance.

Ambry Genetics
Classification: Uncertain significance for Inborn genetic diseases. Last evaluated: 2024-10-09. Review status: criteria provided, single submitter. Criteria: Ambry Variant Classification Scheme 2023. Collection method: clinical testing. Allele origin: germline.